The following is an entry in ClinVar:

ClinVar aggregate classification (germline): Conflicting classifications of pathogenicity. Review status: criteria provided, conflicting classifications (1 of 4 stars). 5 submissions from 5 submitters: Likely pathogenic (3); Uncertain significance (1). 1 of the submissions does not count toward it. Last evaluated 2025-08-25.

Conditions:
MAK-related disorders.
Retinal dystrophy. Also called: Inherited retinal dystrophy. Identifiers: Orphanet 71862, MedGen C0854723, MeSH D058499, MONDO:0019118, HP:0000556.
Retinitis pigmentosa 62 (RP62). Identifiers: Orphanet 791, MedGen C3280042, MONDO:0013611, OMIM 614181.

Allele frequency attached by ClinVar (database versions not stated): TOPMed 0.00002; gnomAD 0.00001.
gnomAD v4.1: 36 of 1,613,984 alleles (0.0022%); highest among the groups gnomAD compares: Non-Finnish European, 0.0027%; no homozygotes.

Submissions (5):

Labcorp Genetics (formerly Invitae), Labcorp
Classification: Uncertain significance. Last evaluated: 2025-08-25. Review status: criteria provided, single submitter. Criteria: Invitae Variant Classification Sherloc (09022015). Collection method: clinical testing. Allele origin: germline.
Comment: This sequence change replaces glycine, which is neutral and non-polar, with serine, which is neutral and polar, at codon 13 of the MAK protein (p.Gly13Ser). This variant is present in population databases (rs387906647, gnomAD 0.002%). This missense change has been observed in individual(s) with retinitis pigmentosa (PMID: 21835304, 25385675). ClinVar contains an entry for this variant (Variation ID: 29783). Invitae Evidence Modeling of protein sequence and biophysical properties (such as structural, functional, and spatial information, amino acid conservation, physicochemical variation, residue mobility, and thermodynamic stability) indicates that this missense variant is expected to disrupt MAK protein function with a positive predictive value of 80%. Experimental studies have shown that this missense change affects MAK function (PMID: 21835304). In summary, the available evidence is currently insufficient to determine the role of this variant in disease. Therefore, it has been classified as a Variant of Uncertain Significance.

Blueprint Genetics
Classification: Likely pathogenic for MAK-related disorders. Last evaluated: 2024-04-05. Review status: criteria provided, single submitter. Criteria: ACMG Guidelines, 2015. Collection method: clinical testing. Allele origin: germline. Affected: yes. Observed: 5 variant alleles.

Fulgent Genetics
Classification: Likely pathogenic for Retinitis pigmentosa 62. Last evaluated: 2024-02-29. Review status: criteria provided, single submitter. Criteria: ACMG Guidelines, 2015. Collection method: clinical testing. Allele origin: germline.

Institute of Human Genetics, Univ. Regensburg, Univ. Regensburg
Classification: Likely pathogenic for Retinal dystrophy. Last evaluated: 2015-01-01. Review status: criteria provided, single submitter. Criteria: ACMG Guidelines, 2015. Collection method: clinical testing. Allele origin: germline. Affected: yes.

OMIM
Classification: Pathogenic for RETINITIS PIGMENTOSA 62. Last evaluated: 2011-08-12. Review status: no assertion criteria provided. Collection method: literature only. Allele origin: germline. Not counted in ClinVar's aggregate classification.

Literature cited by the submitters: PubMed 21835304 (cited by 3 submitters); PubMed 25385675 (cited by Labcorp Genetics (formerly Invitae), Labcorp and Institute of Human Genetics, Univ. Regensburg, Univ. Regensburg); PubMed 31964843 (cited by Institute of Human Genetics, Univ. Regensburg, Univ. Regensburg); PubMed 31980526 (cited by Institute of Human Genetics, Univ. Regensburg, Univ. Regensburg).

NM_001242957.3(MAK):c.37G>A (p.Gly13Ser)

Gene: MAK (male germ cell associated kinase; minus strand). Cytogenetic location: 6p24.2.
Variant type: single nucleotide variant.
Coding change: c.37G>A on transcript NM_001242957.3 (MANE Select); coding-DNA position 37, G replaced by A.
Protein change: p.Gly13Ser; replaces glycine 13 with serine.
Molecular consequence: missense variant. On other transcripts: non-coding transcript variant (2), intron variant (1).
Genome position (GRCh38, 1-based): chr6:10,830,612, C>T on the plus strand (G>A on the coding strand, the complement: MAK is on the minus strand). VCF-style: chr6-10830612-C-T. GRCh37 (hg19) VCF-style: chr6-10830845-C-T.
Other names: c.37G>A, p.Gly13Ser (NM_001242385.2, NM_005906.6); c.-2+7891G>A (NM_001377262.1); short protein forms G13S.
Identifiers: ClinVar variation 29783 (VCV000029783.12), dbSNP rs387906647, ClinGen allele CA259649.